The following is an entry in ClinVar:

ClinVar aggregate classification (germline): Uncertain significance (1 of 4 stars; one submission).

Conditions:
4p partial monosomy syndrome (WHS). Also called: Wolf-Hirschhorn syndrome; WITTWER SYNDROME; PITT SYNDROME; CHROMOSOME 4p16.3 DELETION SYNDROME. Identifiers: Orphanet 280, MedGen C1956097, MONDO:0008684, OMIM 194190.

Submission:

Centre for Mendelian Genomics, University Medical Centre Ljubljana
Classification: Uncertain significance for 4p partial monosomy syndrome. Last evaluated: 2019-06-21. Review status: criteria provided, single submitter. Criteria: ACMG Guidelines, 2015. Collection method: clinical testing. Allele origin: unknown. Affected: yes.
Comment: This variant was classified as: Uncertain significance. The available evidence on this variant's pathogenicity is insufficient or conflicting. The following ACMG criteria were applied in classifying this variant: PM2,PP3.

NM_001004356.3(FGFRL1):c.842T>G (p.Leu281Arg)

Gene: FGFRL1 (fibroblast growth factor receptor like 1; plus strand). Cytogenetic location: 4p16.3.
Variant type: single nucleotide variant.
Coding change: c.842T>G on transcript NM_001004356.3 (MANE Select); coding-DNA position 842, T replaced by G.
Protein change: p.Leu281Arg; replaces leucine 281 with arginine.
Molecular consequence: missense variant.
Genome position (GRCh38, 1-based): chr4:1,024,434, T>G. VCF-style: chr4-1024434-T-G. GRCh37 (hg19) VCF-style: chr4-1018222-T-G.
Other names: c.842T>G, p.Leu281Arg (NM_001004358.1, NM_001370296.1, NM_021923.3); short protein forms L281R.
Identifiers: ClinVar variation 932096 (VCV000932096.3), dbSNP rs1716385543, ClinGen allele CA355932669.